The following is an entry in ClinVar:

NM_001370658.1(BTD):c.649G>A (p.Ala217Thr)

Gene: BTD (biotinidase; plus strand). Cytogenetic location: 3p25.1.
Variant type: single nucleotide variant.
Coding change: c.649G>A on transcript NM_001370658.1 (MANE Select); coding-DNA position 649, G replaced by A.
Protein change: p.Ala217Thr; replaces alanine 217 with threonine.
Molecular consequence: missense variant. On other transcripts: intron variant (1).
Genome position (GRCh38, 1-based): chr3:15,644,565, G>A. VCF-style: chr3-15644565-G-A. GRCh37 (hg19) VCF-style: chr3-15686072-G-A.
Other names: c.709G>A, p.Ala237Thr (NM_000060.4); c.649G>A, p.Ala217Thr (NM_001281723.4, NM_001281724.3, NM_001281725.3 and 18 more transcripts); c.399+2508G>A (NM_001370753.1); short protein forms A217T.
Identifiers: ClinVar variation 25036 (VCV000025036.15), dbSNP rs397514381, ClinGen allele CA278250.
Genomic context (GRCh38, chr3:15,644,565, plus strand): 5'-TTTGAGGCAGCATTCGATGTTCCTCTTAAAGTGGATCTCATCACCTTTGATACCCCCTTT[G>A]CTGGCAGGTTTGGCATCTTCACATGCTTTGATATATTGTTCTTTGACCCTGCCATCAGAG-3'
Protein context (NP_001357587.1, residues 207-227): VDLITFDTPF[Ala217Thr]GRFGIFTCFD

ClinVar aggregate classification (germline): Pathogenic/Likely pathogenic. Review status: criteria provided, multiple submitters, no conflicts (2 of 4 stars). 3 submissions from 3 submitters: Pathogenic (1); Likely pathogenic (1). 1 of the submissions does not count toward it. Last evaluated 2025-10-02.

Conditions:
Biotinidase deficiency. Also called: BTD deficiency; Late-onset biotin-responsive multiple carboxylase deficiency; Biotin deficiency. Identifiers: Orphanet 79241, MedGen C0220754, MONDO:0009665, OMIM 253260.

Allele frequency attached by ClinVar (database versions not stated): gnomAD exomes 0.00001 and 0.00002; TOPMed 0.00002; gnomAD 0.00001.

Submissions (3):

Labcorp Genetics (formerly Invitae), Labcorp
Classification: Pathogenic for Biotinidase deficiency. Last evaluated: 2025-10-02. Review status: criteria provided, single submitter. Criteria: Invitae Variant Classification Sherloc (09022015). Collection method: clinical testing. Allele origin: germline.
Comment: This sequence change replaces alanine, which is neutral and non-polar, with threonine, which is neutral and polar, at codon 237 of the BTD protein (p.Ala237Thr). This variant is present in population databases (rs397514381, gnomAD 0.004%). This missense change has been observed in individual(s) with partial biotinidase deficiency (PMID: 26810761; internal data). In at least one individual the data is consistent with being in trans (on the opposite chromosome) from a pathogenic variant. ClinVar contains an entry for this variant (Variation ID: 25036). Invitae Evidence Modeling of protein sequence and biophysical properties (such as structural, functional, and spatial information, amino acid conservation, physicochemical variation, residue mobility, and thermodynamic stability) indicates that this missense variant is expected to disrupt BTD protein function with a positive predictive value of 95%. For these reasons, this variant has been classified as Pathogenic.

Baylor Genetics
Classification: Likely pathogenic for Biotinidase deficiency. Last evaluated: 2023-09-09. Review status: criteria provided, single submitter. Criteria: ACMG Guidelines, 2015. Collection method: clinical testing. Allele origin: unknown.

Natera, Inc.
Classification: Uncertain significance for Biotinidase deficiency. Last evaluated: 2021-02-15. Review status: no assertion criteria provided. Collection method: clinical testing. Allele origin: germline. Not counted in ClinVar's aggregate classification.

Literature cited by the submitters: PubMed 26810761 (cited by Labcorp Genetics (formerly Invitae), Labcorp).